The following is an entry in ClinVar:

ClinVar aggregate classification (germline): Pathogenic. Review status: reviewed by expert panel (3 of 4 stars). 4 submissions from 4 submitters: Pathogenic (1). 3 of the submissions do not count toward it. Last evaluated 2017-12-15.

Conditions:
Hereditary cancer-predisposing syndrome. Also called: Hereditary Cancer Syndrome; Tumor predisposition; Hereditary neoplastic syndrome; Neoplastic Syndromes, Hereditary. Identifiers: Orphanet 140162, MedGen C0027672, MeSH D009386, MONDO:0015356.
Breast-ovarian cancer, familial, susceptibility to, 2 (BROVCA2). Also called: BRCA2 Hereditary Breast and Ovarian Cancer. Identifiers: Orphanet 145, MedGen C2675520, MONDO:0012933, OMIM 612555. Disease mechanism: loss of function.
Hereditary breast ovarian cancer syndrome. Also called: Hereditary breast and/or ovarian cancer syndrome; Breast and ovarian cancer; BRCA1- and BRCA2-Associated Hereditary Breast and Ovarian Cancer; Hereditary breast and ovarian cancer syndrome (HBOC); Hereditary breast and ovarian cancer syndrome; Hereditary breast and ovarian cancer. Identifiers: Orphanet 145, MedGen C0677776, MeSH D061325, MONDO:0003582. Disease mechanism: loss of function.

Allele frequency attached by ClinVar (database versions not stated): gnomAD 0.00003.

Submissions (4):

Evidence-based Network for the Interpretation of Germline Mutant Alleles (ENIGMA)
Classification: Pathogenic for Breast-ovarian cancer, familial, susceptibility to, 2. Last evaluated: 2017-12-15. Review status: reviewed by expert panel. Criteria: ENIGMA BRCA1/2 Classification Criteria (2017-06-29). Collection method: curation. Allele origin: germline. Study: ENIGMA.
Comment: Variant allele predicted to encode a truncated non-functional protein.

Ambry Genetics
Classification: Pathogenic for Hereditary cancer-predisposing syndrome. Last evaluated: 2026-06-29. Review status: criteria provided, single submitter. Criteria: Ambry Variant Classification Scheme 2023. Collection method: clinical testing. Allele origin: germline. Not counted in ClinVar's aggregate classification.
Comment: The c.468dupT pathogenic mutation, located in coding exon 4 of the BRCA2 gene, results from a duplication of T at nucleotide position 468, causing a translational frameshift with a predicted alternate stop codon (p.K157*). This variant is expected to result in loss of function by premature protein truncation or nonsense-mediated mRNA decay. As such, this variant is interpreted as a disease-causing mutation.

Labcorp Genetics (formerly Invitae), Labcorp
Classification: Pathogenic for Hereditary breast ovarian cancer syndrome. Last evaluated: 2023-04-27. Review status: criteria provided, single submitter. Criteria: Invitae Variant Classification Sherloc (09022015). Collection method: clinical testing. Allele origin: germline. Not counted in ClinVar's aggregate classification.
Comment: For these reasons, this variant has been classified as Pathogenic. ClinVar contains an entry for this variant (Variation ID: 548417). This variant is also known as 695insT. This premature translational stop signal has been observed in individual(s) with breast and/or ovarian cancer (PMID: 11793480, 30333958). This variant is present in population databases (no rsID available, gnomAD 0.007%). This sequence change creates a premature translational stop signal (p.Lys157*) in the BRCA2 gene. It is expected to result in an absent or disrupted protein product. Loss-of-function variants in BRCA2 are known to be pathogenic (PMID: 20104584).

Color Diagnostics, LLC DBA Color Health
Classification: Pathogenic for Hereditary cancer-predisposing syndrome. Last evaluated: 2022-02-10. Review status: criteria provided, single submitter. Criteria: ACMG Guidelines, 2015. Collection method: clinical testing. Allele origin: germline. Not counted in ClinVar's aggregate classification.
Comment: This variant inserts 1 nucleotide in exon 5 of the BRCA2 gene, creating a frameshift and premature translation stop signal. This variant is expected to result in an absent or non-functional protein product. This variant has been identified in 1 individual affected with breast or ovarian cancer (PMID: 30333958). This variant has been identified in 1/31410 chromosomes in the general population by the Genome Aggregation Database (gnomAD). Loss of BRCA2 function is a known mechanism of disease. Based on the available evidence, this variant is classified as Pathogenic.

Literature cited by the submitters: PubMed 11793480 (cited by Labcorp Genetics (formerly Invitae), Labcorp); PubMed 30333958 (cited by Labcorp Genetics (formerly Invitae), Labcorp and Color Diagnostics, LLC DBA Color Health); PubMed 20104584 (cited by Labcorp Genetics (formerly Invitae), Labcorp).

NM_000059.4(BRCA2):c.468dup (p.Lys157Ter)

Gene: BRCA2 (BRCA2 DNA repair associated; plus strand). Cytogenetic location: 13q13.1.
Variant type: Duplication.
Coding change: c.468dup on transcript NM_000059.4 (MANE Select); coding-DNA position 468, one base duplicated (T; older notation c.468dupT).
Protein change: p.Lys157Ter; replaces lysine 157 with a stop codon.
Molecular consequence: nonsense.
Genome position (GRCh38, 1-based): chr13:32,326,143, T duplicated. VCF-style (leftmost placement, unchanged base first): chr13-32326142-A-AT. GRCh37 (hg19) VCF-style: chr13-32900279-A-AT.
Other names: c.468dupT (NM_000059.3); short protein forms K157*.
Identifiers: ClinVar variation 548417 (VCV000548417.19), dbSNP rs1555280955, ClinGen allele CA16609682.
Genomic context (GRCh38, chr13:32,326,142, plus strand): 5'-TTGCTTTGTTTTATTTTAGTCCTGTTGTTCTACAATGTACACATGTAACACCACAAAGAG[A>AT]TAAGTCAGGTATGATTAAAAACAATGCTTTTTATTCTTAGAATACTAGAAATGTTAATAA-3'